The following is an entry in ClinVar:

NM_007294.4(BRCA1):c.526dup (p.Thr176fs)

Gene: BRCA1 (BRCA1 DNA repair associated; minus strand). Cytogenetic location: 17q21.31.
Variant type: Duplication.
Coding change: c.526dup on transcript NM_007294.4 (MANE Select); coding-DNA position 526, one base duplicated (A; older notation c.526dupA).
Protein change: p.Thr176fs; shifts the reading frame from threonine 176.
Molecular consequence: frameshift variant. On other transcripts: intron variant (2).
Genome position (GRCh38, 1-based): chr17:43,099,796, T duplicated on the plus strand (A on the coding strand, the reverse complement: BRCA1 is on the minus strand). VCF-style (leftmost placement, unchanged base first): chr17-43099795-G-GT. GRCh37 (hg19) VCF-style: chr17-41251812-G-GT.
Other names: c.385dup, p.Thr129fs (NM_001407924.1, NM_001407925.1, NM_001407926.1 and 61 more transcripts); c.382dup, p.Thr128fs (NM_001407930.1, NM_001407931.1, NM_001407932.1 and 35 more transcripts); c.526dup, p.Thr176fs (NM_001407937.1, NM_001407938.1, NM_001407939.1 and 96 more transcripts); c.523dup, p.Thr175fs (NM_001407940.1, NM_001407941.1, NM_001407671.1 and 65 more transcripts); c.316dup, p.Thr106fs (NM_001407946.1, NM_001407947.1, NM_001407879.1 and 37 more transcripts); c.313dup, p.Thr105fs (NM_001407853.1, NM_001407894.1, NM_001407895.1 and 18 more transcripts); c.448dup, p.Thr150fs (NM_001407862.1, NM_001407663.1, NM_001407653.1 and 12 more transcripts); c.445dup, p.Thr149fs (NM_001407874.1, NM_001407875.1, NM_001407661.1 and 6 more transcripts); and 6 more; short protein forms T105fs, T106fs, T128fs, T129fs, T131fs, T149fs, T150fs, T173fs.
Identifiers: ClinVar variation 3073505 (VCV003073505.2), dbSNP rs2552239279, ClinGen allele CA2825002524.

ClinVar aggregate classification (germline): Pathogenic. Review status: criteria provided, multiple submitters, no conflicts (2 of 4 stars). 2 submissions from 2 submitters: Pathogenic (2). Last evaluated 2024-01-04.

Conditions:
Hereditary cancer-predisposing syndrome. Also called: Tumor predisposition; Neoplastic Syndromes, Hereditary; Hereditary Cancer Syndrome; Hereditary neoplastic syndrome. Identifiers: Orphanet 140162, MedGen C0027672, MeSH D009386, MONDO:0015356.
Breast-ovarian cancer, familial, susceptibility to, 1 (BROVCA1). Also called: BRCA1 Hereditary Breast and Ovarian Cancer; OVARIAN CANCER, SUSCEPTIBILITY TO. Identifiers: Orphanet 145, MedGen C2676676, MONDO:0011450, OMIM 604370. Disease mechanism: loss of function.

Submissions (2):

Color Diagnostics, LLC DBA Color Health
Classification: Pathogenic for Hereditary cancer-predisposing syndrome. Last evaluated: 2024-01-04. Review status: criteria provided, single submitter. Criteria: ACMG Guidelines, 2015. Collection method: clinical testing. Allele origin: germline.
Comment: This variant inserts 1 nucleotide in exon 7 of the BRCA1 gene, creating a frameshift and premature translation stop signal. This variant is expected to result in an absent or non-functional protein product. To our knowledge, this variant has not been reported in individuals affected with BRCA1-related disorders in the literature. This variant has not been identified in the general population by the Genome Aggregation Database (gnomAD). Loss of BRCA1 function is a known mechanism of disease. Based on the available evidence, this variant is classified as Pathogenic.

All of Us Research Program, National Institutes of Health
Classification: Pathogenic for Breast-ovarian cancer, familial, susceptibility to, 1. Last evaluated: 2023-10-02. Review status: criteria provided, single submitter. Criteria: ACMG Guidelines, 2015. Collection method: clinical testing. Allele origin: germline. Inheritance: Autosomal dominant inheritance. Observed: 1 variant allele, 1 heterozygote.
Comment: This variant is predicted to result in loss of protein function through nonsense-mediated decay or protein truncation. Loss of function is an established mechanism of disease. This variant is also published as c.525insA, and it has been reported in multiple individuals and families with BRCA1-related cancers (PMID: 10880552, 12655515, 10464609). This variant is absent from large population databases, including the Genome Aggregation Database.

This study involves interpretation of variants in research participants for the purpose of population health screening. Participant phenotype was not available at the time of variant classification. Additional details can be found in publication PMID: 35346344, PMCID: PMC8962531

Literature cited by the submitters: PubMed 10464609 (cited by All of Us Research Program, National Institutes of Health); PubMed 10880552 (cited by All of Us Research Program, National Institutes of Health); PubMed 12655515 (cited by All of Us Research Program, National Institutes of Health).